The following is an entry in ClinVar:

NM_001134673.4(NFIA):c.1168T>C (p.Tyr390His)

Gene: NFIA (nuclear factor I A; plus strand). Cytogenetic location: 1p31.3.
Variant type: single nucleotide variant.
Coding change: c.1168T>C on transcript NM_001134673.4 (MANE Select); coding-DNA position 1168, T replaced by C.
Protein change: p.Tyr390His; replaces tyrosine 390 with histidine.
Molecular consequence: missense variant.
Genome position (GRCh38, 1-based): chr1:61,404,196, T>C. VCF-style: chr1-61404196-T-C. GRCh37 (hg19) VCF-style: chr1-61869868-T-C.
Other names: c.1144T>C, p.Tyr382His (NM_001145511.2); c.1303T>C, p.Tyr435His (NM_001145512.2); c.1168T>C, p.Tyr390His (NM_005595.5); short protein forms Y390H, Y382H, Y435H.
Identifiers: ClinVar variation 2128198 (VCV002128198.4), dbSNP rs2525304430, ClinGen allele CA340589195.

ClinVar aggregate classification (germline): Uncertain significance (1 of 4 stars; one submission).

Submission:

Labcorp Genetics (formerly Invitae), Labcorp
Classification: Uncertain significance. Last evaluated: 2024-02-26. Review status: criteria provided, single submitter. Criteria: Invitae Variant Classification Sherloc (09022015). Collection method: clinical testing. Allele origin: germline.
Comment: This sequence change replaces tyrosine, which is neutral and polar, with histidine, which is basic and polar, at codon 390 of the NFIA protein (p.Tyr390His). This variant is not present in population databases (gnomAD no frequency). This variant has not been reported in the literature in individuals affected with NFIA-related conditions. ClinVar contains an entry for this variant (Variation ID: 2128198). An algorithm developed to predict the effect of missense changes on protein structure and function (PolyPhen-2) suggests that this variant is likely to be disruptive. In summary, the available evidence is currently insufficient to determine the role of this variant in disease. Therefore, it has been classified as a Variant of Uncertain Significance.